The following is an entry in ClinVar:

ClinVar aggregate classification (germline): Pathogenic (1 of 4 stars; one submission).

Conditions:
Glutaric aciduria, type 1. Also called: Glutaric Acidemia Type 1; Glutaricaciduria, type I; Glutaricacidemia Type 1; GA I; Glutaryl-CoA dehydrogenase deficiency; Glutaric acidemia type I. Identifiers: Orphanet 25, MedGen C0268595, MONDO:0009281, OMIM 231670.

Submission:

Labcorp Genetics (formerly Invitae), Labcorp
Classification: Pathogenic for Glutaric aciduria, type 1. Last evaluated: 2024-02-02. Review status: criteria provided, single submitter. Criteria: Invitae Variant Classification Sherloc (09022015). Collection method: clinical testing. Allele origin: germline.
Comment: This sequence change creates a premature translational stop signal (p.Gly14Aspfs*47) in the GCDH gene. It is expected to result in an absent or disrupted protein product. Loss-of-function variants in GCDH are known to be pathogenic (PMID: 10699052, 11854167, 16602100). This variant is not present in population databases (gnomAD no frequency). This variant has not been reported in the literature in individuals affected with GCDH-related conditions. For these reasons, this variant has been classified as Pathogenic.

Literature cited by the submitters: PubMed 10699052; PubMed 11854167; PubMed 16602100.

NM_000159.4(GCDH):c.41del (p.Gly14fs)

Genes: GCDH (glutaryl-CoA dehydrogenase; plus strand), LOC117125594 (CRISPRi-FlowFISH-validated KLF1 regulatory element; plus strand). Cytogenetic location: 19p13.13.
Variant type: Deletion.
Coding change: c.41del on transcript NM_000159.4 (MANE Select); coding-DNA position 41, one base deleted (G; older notation c.41delG).
Protein change: p.Gly14fs; shifts the reading frame from glycine 14.
Molecular consequence: frameshift variant. On other transcripts: non-coding transcript variant (2).
Genome position (GRCh38, 1-based): chr19:12,891,345, G deleted; the last of 2 consecutive G bases (chr19:12,891,344-12,891,345); deleting either gives the same sequence. VCF-style (leftmost placement, unchanged base first): chr19-12891343-CG-C. GRCh37 (hg19) VCF-style: chr19-13002157-CG-C.
Other names: c.41del, p.Gly14fs (NM_013976.5); short protein forms G14fs.
Identifiers: ClinVar variation 3718545 (VCV003718545.2).